The following is an entry in ClinVar:

NM_001378454.1(ALMS1):c.6991T>C (p.Cys2331Arg)

Gene: ALMS1 (ALMS1 centrosome and basal body associated protein; plus strand). Cytogenetic location: 2p13.1.
Variant type: single nucleotide variant.
Coding change: c.6991T>C on transcript NM_001378454.1 (MANE Select); coding-DNA position 6991, T replaced by C.
Protein change: p.Cys2331Arg; replaces cysteine 2331 with arginine.
Molecular consequence: missense variant.
Genome position (GRCh38, 1-based): chr2:73,453,518, T>C. VCF-style: chr2-73453518-T-C. GRCh37 (hg19) VCF-style: chr2-73680645-T-C.
Other names: c.6994T>C, p.Cys2332Arg (NM_015120.4); short protein forms C2332R, C2331R.
Identifiers: ClinVar variation 403940 (VCV000403940.8), dbSNP rs1060500038, ClinGen allele CA16611105.

ClinVar aggregate classification (germline): Uncertain significance. Review status: criteria provided, single submitter (1 of 4 stars). 2 submissions from 2 submitters: Uncertain significance (1). 1 of the submissions does not count toward it. Last evaluated 2023-12-22.

Conditions:
Alstrom syndrome (ALMS). Identifiers: Orphanet 64, MedGen C0268425, MONDO:0008763, OMIM 203800.

Allele frequency attached by ClinVar (database versions not stated): gnomAD 0.00001; TOPMed 0.00001.
gnomAD v4.1: 4 of 1,613,490 alleles (0.00025%); highest among the groups gnomAD compares: Middle Eastern, 0.016%; no homozygotes.

Submissions (2):

Labcorp Genetics (formerly Invitae), Labcorp
Classification: Uncertain significance for Alstrom syndrome. Last evaluated: 2023-12-22. Review status: criteria provided, single submitter. Criteria: Invitae Variant Classification Sherloc (09022015). Collection method: clinical testing. Allele origin: germline.
Comment: This sequence change replaces cysteine, which is neutral and slightly polar, with arginine, which is basic and polar, at codon 2332 of the ALMS1 protein (p.Cys2332Arg). This variant is not present in population databases (gnomAD no frequency). This variant has not been reported in the literature in individuals affected with ALMS1-related conditions. ClinVar contains an entry for this variant (Variation ID: 403940). Experimental studies and prediction algorithms are not available or were not evaluated, and the functional significance of this variant is currently unknown. In summary, the available evidence is currently insufficient to determine the role of this variant in disease. Therefore, it has been classified as a Variant of Uncertain Significance.

Natera, Inc.
Classification: Uncertain significance for Alstrom syndrome. Last evaluated: 2020-09-16. Review status: no assertion criteria provided. Collection method: clinical testing. Allele origin: germline. Not counted in ClinVar's aggregate classification.